The following is an entry in ClinVar:

NM_003079.5(SMARCE1):c.941G>A (p.Ser314Asn)

Gene: SMARCE1 (SWI/SNF related BAF chromatin remodeling complex subunit E1; minus strand). Cytogenetic location: 17q21.2.
Variant type: single nucleotide variant.
Coding change: c.941G>A on transcript NM_003079.5 (MANE Select); coding-DNA position 941, G replaced by A.
Protein change: p.Ser314Asn; replaces serine 314 with asparagine.
Molecular consequence: missense variant.
Genome position (GRCh38, 1-based): chr17:40,630,800, C>T on the plus strand (G>A on the coding strand, the complement: SMARCE1 is on the minus strand). VCF-style: chr17-40630800-C-T. GRCh37 (hg19) VCF-style: chr17-38787052-C-T.
Other names: short protein forms S314N.
Identifiers: ClinVar variation 3446142 (VCV003446142.1).

ClinVar aggregate classification (germline): Uncertain significance (1 of 4 stars; one submission).

Conditions:
Hereditary cancer-predisposing syndrome. Also called: Tumor predisposition; Neoplastic Syndromes, Hereditary; Hereditary neoplastic syndrome; Hereditary Cancer Syndrome. Identifiers: Orphanet 140162, MedGen C0027672, MeSH D009386, MONDO:0015356.

Submission:

Ambry Genetics
Classification: Uncertain significance for Hereditary cancer-predisposing syndrome. Last evaluated: 2024-08-25. Review status: criteria provided, single submitter. Criteria: Ambry Variant Classification Scheme 2023. Collection method: clinical testing. Allele origin: germline.
Comment: The p.S314N variant (also known as c.941G>A), located in coding exon 9 of the SMARCE1 gene, results from a G to A substitution at nucleotide position 941. The serine at codon 314 is replaced by asparagine, an amino acid with highly similar properties. This amino acid position is conserved. In addition, this alteration is predicted to be tolerated by in silico analysis. Based on the available evidence, the clinical significance of this variant remains unclear.